The following is an entry in ClinVar:

ClinVar aggregate classification (germline): Pathogenic/Likely pathogenic. Review status: criteria provided, multiple submitters, no conflicts (2 of 4 stars). 6 submissions from 6 submitters: Pathogenic (3); Likely pathogenic (3). Last evaluated 2022-10-14.

Conditions:
NF1-related disorder. Also called: NF1-related condition. Identifiers: MedGen CN379171.
Hereditary cancer-predisposing syndrome. Also called: Tumor predisposition; Hereditary Cancer Syndrome; Neoplastic Syndromes, Hereditary; Hereditary neoplastic syndrome. Identifiers: Orphanet 140162, MedGen C0027672, MeSH D009386, MONDO:0015356.
Cardiovascular phenotype. Identifiers: MedGen CN230736.
Neurofibromatosis, type 1 (NF1). Also called: NEUROFIBROMATOSIS, TYPE I, SOMATIC; Peripheral type neurofibromatosis; Neurofibromatosis, type I; VON RECKLINGHAUSEN DISEASE. Identifiers: Orphanet 636, MedGen C0027831, MONDO:0018975, OMIM 162200. Disease mechanism: loss of function.

Submissions (6):

Labcorp Genetics (formerly Invitae), Labcorp
Classification: Likely pathogenic for Neurofibromatosis, type 1. Last evaluated: 2022-10-14. Review status: criteria provided, single submitter. Criteria: Invitae Variant Classification Sherloc (09022015). Collection method: clinical testing. Allele origin: germline.
Comment: This variant disrupts the c.6642-3C nucleotide in the NF1 gene. Other variant(s) that disrupt this nucleotide have been determined to be pathogenic (PMID: 25074460, 31730495, 32126153). This suggests that this nucleotide is clinically significant, and that variants that disrupt this position are likely to be disease-causing. In summary, the currently available evidence indicates that the variant is pathogenic, but additional data are needed to prove that conclusively. Therefore, this variant has been classified as Likely Pathogenic. Variants that disrupt the consensus splice site are a relatively common cause of aberrant splicing (PMID: 17576681, 9536098). Studies have shown that this variant is associated with altered splicing resulting in a premature truncation (PMID: 32126153). ClinVar contains an entry for this variant (Variation ID: 481981). This variant has been observed in individual(s) with clinical features of neurofibromatosis type 1 (PMID: 32126153). This variant is not present in population databases (gnomAD no frequency). This sequence change falls in intron 43 of the NF1 gene. It does not directly change the encoded amino acid sequence of the NF1 protein. It affects a nucleotide within the consensus splice site.

Genome-Nilou Lab
Classification: Likely pathogenic for Neurofibromatosis, type 1. Last evaluated: 2022-03-15. Review status: criteria provided, single submitter. Criteria: ACMG Guidelines, 2015. Collection method: clinical testing. Allele origin: germline. Affected: no.

Blueprint Genetics
Classification: Pathogenic for NF1-related disorders. Last evaluated: 2021-05-11. Review status: criteria provided, single submitter. Criteria: ACMG Guidelines, 2015. Collection method: clinical testing. Allele origin: germline. Affected: yes. Observed: 1 variant allele.

Institute of Human Genetics, Medical University Innsbruck
Classification: Pathogenic for Neurofibromatosis, type 1. Last evaluated: 2020-01-20. Review status: criteria provided, single submitter. Criteria: ACMG Guidelines, 2015. Collection method: clinical testing. Allele origin: germline. Affected: yes.

UAB Medical Genomics Laboratory, UAB Medicine
Classification: Pathogenic for Neurofibromatosis, type 1. Last evaluated: 2020-01-20. Review status: criteria provided, single submitter. Criteria: ACMG Guidelines, 2015. Collection method: clinical testing. Allele origin: germline. Affected: yes.

Ambry Genetics
Classification: Likely pathogenic for Cardiovascular phenotype; Hereditary cancer-predisposing syndrome. Last evaluated: 2017-04-07. Review status: criteria provided, single submitter. Criteria: Ambry Variant Classification Scheme 2023. Collection method: clinical testing. Allele origin: germline.
Comment: The c.6642-3C>A intronic variant results from a C to A substitution 3 nucleotides upstream from coding exon 44 in the NF1 gene. This alteration has been reported in 1 of 279 prospectively analyzed patients in routine diagnosis for NF1 (Pasmant E et al. Eur. J. Hum. Genet., 2015 May;23:596-601). This nucleotide position is well conserved in available vertebrate species. Using the BDGP and ESEfinder splice site prediction tools, this alteration is predicted to abolish the native splice acceptor site; however, direct evidence is unavailable. Based on the majority of available evidence to date, this variant is likely to be pathogenic.

Literature cited by the submitters: PubMed 25074460 (cited by Labcorp Genetics (formerly Invitae), Labcorp); PubMed 31730495 (cited by Labcorp Genetics (formerly Invitae), Labcorp); PubMed 32126153 (cited by Labcorp Genetics (formerly Invitae), Labcorp and UAB Medical Genomics Laboratory, UAB Medicine); PubMed 17576681 (cited by Labcorp Genetics (formerly Invitae), Labcorp); PubMed 9536098 (cited by Labcorp Genetics (formerly Invitae), Labcorp); DOI 10.1002/humu.24005 (cited by Institute of Human Genetics, Medical University Innsbruck).

NM_001042492.3(NF1):c.6705-3C>A

Gene: NF1 (neurofibromin 1; plus strand). Cytogenetic location: 17q11.2.
Variant type: single nucleotide variant.
Coding change: c.6705-3C>A on transcript NM_001042492.3 (MANE Select); 3 bases into the intron before coding-DNA position 6705, C replaced by A.
Molecular consequence: intron variant.
Genome position (GRCh38, 1-based): chr17:31,338,022, C>A. VCF-style: chr17-31338022-C-A. GRCh37 (hg19) VCF-style: chr17-29665040-C-A.
Other names: c.6642-3C>A (NM_000267.4).
Identifiers: ClinVar variation 481981 (VCV000481981.15), dbSNP rs1131691079, ClinGen allele CA658658588.